The following is an entry in ClinVar:

ClinVar aggregate classification (germline): Benign. Review status: criteria provided, multiple submitters, no conflicts (2 of 4 stars). 3 submissions from 3 submitters: Benign (3). Last evaluated 2023-11-01.

Allele frequency attached by ClinVar (database versions not stated): ExAC 0.00852; gnomAD exomes 0.00876 and 0.00809; 1000 Genomes Project 30x 0.00390; 1000 Genomes Project 0.00439; ESP Exome Variant Server 0.00707; TOPMed 0.00731; gnomAD 0.00748 and 0.00765.
gnomAD v4.1: 13,030 of 1,613,644 alleles (0.81%); highest among the groups gnomAD compares: Middle Eastern, 1.4%; 86 homozygotes.

Submissions (3):

CeGaT Center for Human Genetics Tuebingen
Classification: Benign. Last evaluated: 2023-11-01. Review status: criteria provided, single submitter. Criteria: CeGaT Center For Human Genetics Tuebingen Variant Classification Criteria Version 2. Collection method: clinical testing. Allele origin: germline. Affected: yes. Observed: 1 variant allele.
Comment: CD209: BP4, BP7, BS1, BS2

Labcorp Genetics (formerly Invitae), Labcorp
Classification: Benign. Last evaluated: 2018-05-21. Review status: criteria provided, single submitter. Criteria: Invitae Variant Classification Sherloc (09022015). Collection method: clinical testing. Allele origin: germline.

Breakthrough Genomics
Classification: Benign. Review status: criteria provided, single submitter. Criteria: ACMG Guidelines, 2015. Collection method: not provided. Allele origin: germline. Inheritance: Unknown mechanism. Affected: yes.

NM_021155.4(CD209):c.993C>T (p.Asp331=)

Gene: CD209 (CD209 molecule; minus strand). Cytogenetic location: 19p13.2.
Variant type: single nucleotide variant.
Coding change: c.993C>T on transcript NM_021155.4 (MANE Select); coding-DNA position 993, C replaced by T.
Protein change: p.Asp331=; no amino-acid change (aspartic acid 331 retained).
Molecular consequence: synonymous variant. On other transcripts: non-coding transcript variant (1).
Genome position (GRCh38, 1-based): chr19:7,744,127, G>A on the plus strand (C>T on the coding strand, the complement: CD209 is on the minus strand). VCF-style: chr19-7744127-G-A. GRCh37 (hg19) VCF-style: chr19-7809013-G-A.
Other names: c.585C>T, p.Asp195= (NM_001144893.2); c.861C>T, p.Asp287= (NM_001144894.2); c.717C>T, p.Asp239= (NM_001144895.2); c.921C>T, p.Asp307= (NM_001144896.2); c.975C>T, p.Asp325= (NM_001144897.2); c.510C>T, p.Asp170= (NM_001144899.2).
Identifiers: ClinVar variation 777898 (VCV000777898.27), dbSNP rs78866372, ClinGen allele CA9145884.